The following is an entry in ClinVar:

ClinVar aggregate classification (germline): Conflicting classifications of pathogenicity. Review status: criteria provided, conflicting classifications (1 of 4 stars). 2 submissions from 2 submitters: Likely pathogenic (1); Likely benign (1). Last evaluated 2026-01-21.

Conditions:
Ciliary dyskinesia, primary, 37 (CILD37). Also called: CILIARY DYSKINESIA, PRIMARY, 37, WITH OR WITHOUT SITUS INVERSUS. Identifiers: MedGen C4539798, MONDO:0033204, OMIM 617577.
Spermatogenic failure 18. Identifiers: MedGen C4539783, MONDO:0054615, OMIM 617576.

Submissions (2):

Labcorp Genetics (formerly Invitae), Labcorp
Classification: Likely benign for Ciliary dyskinesia, primary, 37; Spermatogenic failure 18. Last evaluated: 2026-01-21. Review status: criteria provided, single submitter. Criteria: Invitae Variant Classification Sherloc (09022015). Collection method: clinical testing. Allele origin: germline.

Juno Genomics, Hangzhou Juno Genomics, Inc
Classification: Likely pathogenic for Ciliary dyskinesia, primary, 37; Spermatogenic failure 18. Review status: criteria provided, single submitter. Criteria: ACMG Guidelines, 2015. Collection method: clinical testing. Allele origin: germline. Affected: yes.
Comment: Absent from controls (or at extremely low frequency if recessive) in Genome Aggregation Database, Exome Sequencing Project, 1000 Genomes Project, or Exome Aggregation Consortium.;Protein length changes due to in-frame deletions/insertions in a non-repeat region or stop-loss variants.;For recessive disorders, detected in trans with a pathogenic variant.;Patient's phenotype or family history is highly specific for a disease with a single genetic etiology.

NM_015512.5(DNAH1):c.12201CAA[1] (p.Asn4069del)

Gene: DNAH1 (dynein axonemal heavy chain 1; plus strand). Cytogenetic location: 3p21.1.
Variant type: Microsatellite.
Coding change: c.12201CAA[1] on transcript NM_015512.5 (MANE Select); one copy of the 3-base unit CAA starting at c.12201; the reference has two copies in a row; one copy, 3 bases deleted; also written c.12204_12206del.
Protein change: p.Asn4069del; deletes asparagine 4069.
Molecular consequence: inframe deletion.
Genome position (GRCh38, 1-based): chr3:52,398,964-52,398,966, CAA deleted; deleting any 3 consecutive bases within chr3:52,398,960-52,398,966 gives the same sequence; the position shown is the placement nearest the transcript's 3' end. VCF-style (leftmost placement, unchanged base first): chr3-52398959-TACA-T. GRCh37 (hg19) VCF-style: chr3-52432975-TACA-T.
Other names: c.12204_12206del (NM_015512.5); short protein forms N4069del.
Identifiers: ClinVar variation 544653 (VCV000544653.12), dbSNP rs772396187, ClinGen allele CA2436433.